The following is an entry in ClinVar:

ClinVar aggregate classification (germline): Likely benign (1 of 4 stars; one submission).

Submission:

CeGaT Center for Human Genetics Tuebingen
Classification: Likely benign. Last evaluated: 2026-06-01. Review status: criteria provided, single submitter. Criteria: CeGaT Center For Human Genetics Tuebingen Variant Classification Criteria Version 2. Collection method: clinical testing. Allele origin: germline. Affected: yes. Observed: 1 variant allele.
Comment: DCHS1: PM2:Supporting, BP4, BP7

NM_003737.4(DCHS1):c.5850G>T (p.Val1950=)

Gene: DCHS1 (dachsous cadherin-related 1; minus strand). Cytogenetic location: 11p15.4.
Variant type: single nucleotide variant.
Coding change: c.5850G>T on transcript NM_003737.4 (MANE Select); coding-DNA position 5850, G replaced by T.
Protein change: p.Val1950=; no amino-acid change (valine 1950 retained).
Molecular consequence: synonymous variant.
Genome position (GRCh38, 1-based): chr11:6,627,189, C>A on the plus strand (G>T on the coding strand, the complement: DCHS1 is on the minus strand). VCF-style: chr11-6627189-C-A. GRCh37 (hg19) VCF-style: chr11-6648420-C-A.
Identifiers: ClinVar variation 4874325 (VCV004874325.2).